The following is an entry in ClinVar:

NM_003640.5(ELP1):c.1491T>C (p.Asp497=)

Gene: ELP1 (elongator acetyltransferase complex subunit 1; minus strand). Cytogenetic location: 9q31.3.
Variant type: single nucleotide variant.
Coding change: c.1491T>C on transcript NM_003640.5 (MANE Select); coding-DNA position 1491, T replaced by C.
Protein change: p.Asp497=; no amino-acid change (aspartic acid 497 retained).
Molecular consequence: synonymous variant.
Genome position (GRCh38, 1-based): chr9:108,906,455, A>G on the plus strand (T>C on the coding strand, the complement: ELP1 is on the minus strand). VCF-style: chr9-108906455-A-G. GRCh37 (hg19) VCF-style: chr9-111668735-A-G.
Other names: c.1149T>C, p.Asp383= (NM_001318360.2); c.444T>C, p.Asp148= (NM_001330749.2).
Identifiers: ClinVar variation 698104 (VCV000698104.25), dbSNP rs775020540, ClinGen allele CA5174992.
Genomic context (GRCh38, chr9:108,906,455, plus strand): 5'-TACAGCCAGGAAGACGTCTTCTTCAATCCAAGTGAGAAGGCCTAGTTTCAGCGGGTTTAC[A>G]TCTTGATCTTCATTATTCTCAAACTGGATTCTATTGTAAATATTGAAGAATATCCAAGAC-3'
Protein context (NP_003631.2, residues 487-507): KIQFENNEDQ[Asp497=]VNPLKLGLLT

ClinVar aggregate classification (germline): Likely benign. Review status: criteria provided, multiple submitters, no conflicts (2 of 4 stars). 4 submissions from 4 submitters: Likely benign (3). 1 of the submissions does not count toward it. Last evaluated 2025-12-22.

Conditions:
Familial dysautonomia. Also called: HSAN III; FD. Identifiers: Orphanet 1764, MedGen C0013364, MONDO:0009131, OMIM 223900. Disease mechanism: loss of function.

Allele frequency attached by ClinVar (database versions not stated): ExAC 0.00002; gnomAD 0.00002 and 0.00003; gnomAD exomes 0.00004 and 0.00005; TOPMed 0.00005.
gnomAD v4.1: 76 of 1,613,856 alleles (0.0047%); highest among the groups gnomAD compares: Non-Finnish European, 0.0058%; no homozygotes.

Submissions (4):

Labcorp Genetics (formerly Invitae), Labcorp
Classification: Likely benign. Last evaluated: 2025-12-22. Review status: criteria provided, single submitter. Criteria: Invitae Variant Classification Sherloc (09022015). Collection method: clinical testing. Allele origin: germline.

CeGaT Center for Human Genetics Tuebingen
Classification: Likely benign. Last evaluated: 2024-12-01. Review status: criteria provided, single submitter. Criteria: CeGaT Center For Human Genetics Tuebingen Variant Classification Criteria Version 2. Collection method: clinical testing. Allele origin: germline. Affected: yes. Observed: 1 variant allele.
Comment: ELP1: BP4, BP7

Blueprint Genetics
Classification: Likely benign. Last evaluated: 2024-09-19. Review status: criteria provided, single submitter. Criteria: ACMG Guidelines, 2015. Collection method: clinical testing. Allele origin: germline.

Natera, Inc.
Classification: Likely benign for Familial dysautonomia. Last evaluated: 2018-05-19. Review status: no assertion criteria provided. Collection method: clinical testing. Allele origin: germline. Not counted in ClinVar's aggregate classification.